The following is an entry in ClinVar:

ClinVar aggregate classification (germline): Pathogenic (1 of 4 stars; one submission).

Conditions:
Familial cancer of breast. Also called: BREAST CANCER, FAMILIAL; Hereditary breast cancer; hereditary breast carcinoma. Identifiers: Orphanet 227535, MedGen C0346153, MONDO:0016419, OMIM 114480. Disease mechanism: loss of function.

Submission:

Myriad Genetics, Inc.
Classification: Pathogenic for Familial cancer of breast. Last evaluated: 2024-04-22. Review status: criteria provided, single submitter. Criteria: Myriad Autosomal Dominant, Autosomal Recessive and X-Linked Classification Criteria (2023). Collection method: clinical testing. Allele origin: unknown.
Comment: This variant is considered pathogenic. This variant creates a frameshift predicted to result in premature protein truncation.

NM_024675.4(PALB2):c.1516del (p.Gln506fs)

Gene: PALB2 (partner and localizer of BRCA2; minus strand). Cytogenetic location: 16p12.2.
Variant type: Deletion.
Coding change: c.1516del on transcript NM_024675.4 (MANE Select); coding-DNA position 1516, one base deleted (C; older notation c.1516delC).
Protein change: p.Gln506fs; shifts the reading frame from glutamine 506.
Molecular consequence: frameshift variant. On other transcripts: intron variant (3).
Genome position (GRCh38, 1-based): chr16:23,635,030, G deleted on the plus strand (C on the coding strand, the reverse complement: PALB2 is on the minus strand); the first of 3 consecutive G bases (chr16:23,635,030-23,635,032); deleting any one gives the same sequence. VCF-style (leftmost placement, unchanged base first): chr16-23635029-TG-T. GRCh37 (hg19) VCF-style: chr16-23646350-TG-T.
Other names: c.1456del, p.Gln486fs (NM_001407296.1); c.1516del, p.Gln506fs (NM_001407297.1, NM_001407298.1, NM_001407299.1 and 3 more transcripts); c.631del, p.Gln211fs (NM_001407304.1, NM_001407305.1, NM_001407306.1 and 5 more transcripts); c.49-5755del (NM_001407314.1); c.-104-4561del (NM_001407313.1, NM_001407312.1); short protein forms Q211fs, Q486fs, Q506fs.
Identifiers: ClinVar variation 3254337 (VCV003254337.1), dbSNP rs2506474995.